The following is an entry in ClinVar:

NM_014946.4(SPAST):c.3G>C (p.Met1Ile)

Gene: SPAST (spastin; plus strand). Cytogenetic location: 2p22.3.
Variant type: single nucleotide variant.
Coding change: c.3G>C on transcript NM_014946.4 (MANE Select); coding-DNA position 3, G replaced by C.
Protein change: p.Met1Ile; changes the start codon (methionine 1).
Molecular consequence: missense variant, initiator codon variant.
Genome position (GRCh38, 1-based): chr2:32,063,834, G>C. VCF-style: chr2-32063834-G-C. GRCh37 (hg19) VCF-style: chr2-32288903-G-C.
Other names: c.3G>C, p.Met1Ile (NM_001363823.2, NM_001363875.2, NM_001377959.1 and 1 more transcripts); short protein forms M1I.
Identifiers: ClinVar variation 1917540 (VCV001917540.6), dbSNP rs1676383079, ClinGen allele CA346601174.

ClinVar aggregate classification (germline): Uncertain significance (1 of 4 stars; one submission).

Conditions:
Hereditary spastic paraplegia 4. Also called: Spastic paraplegia 4, autosomal dominant; Spastic Paraplegia 4; Familial spastic paraplegia autosomal dominant 2. Identifiers: Orphanet 100985, MedGen C1866855, MONDO:0008438, OMIM 182601.

Submission:

Labcorp Genetics (formerly Invitae), Labcorp
Classification: Uncertain significance for Hereditary spastic paraplegia 4. Last evaluated: 2023-07-07. Review status: criteria provided, single submitter. Criteria: Invitae Variant Classification Sherloc (09022015). Collection method: clinical testing. Allele origin: germline.
Comment: This variant is not present in population databases (gnomAD no frequency). Disruption of the initiator codon has been observed in individual(s) with clinical features of SPAST-related conditions (PMID: 30476002). ClinVar contains an entry for this variant (Variation ID: 1917540). This variant disrupts a region of the SPAST protein in which other variant(s) (p.Glu43Gln) have been observed in individuals with SPAST-related conditions (PMID: 16055926). This suggests that this is a clinically significant region of the protein, and that variants that disrupt it are likely to be disease-causing. In summary, the available evidence is currently insufficient to determine the role of this variant in disease. Therefore, it has been classified as a Variant of Uncertain Significance. This sequence change affects the initiator methionine of the SPAST mRNA. The next in-frame methionine is located at codon 87.

Literature cited by the submitters: PubMed 30476002; PubMed 16055926.